The following is an entry in ClinVar:

NM_014251.3(SLC25A13):c.1122C>T (p.Ser374=)

Gene: SLC25A13 (solute carrier family 25 member 13; minus strand). Cytogenetic location: 7q21.3.
Variant type: single nucleotide variant.
Coding change: c.1122C>T on transcript NM_014251.3 (MANE Select); coding-DNA position 1122, C replaced by T.
Protein change: p.Ser374=; no amino-acid change (serine 374 retained).
Molecular consequence: synonymous variant. On other transcripts: non-coding transcript variant (1).
Genome position (GRCh38, 1-based): chr7:96,184,332, G>A on the plus strand (C>T on the coding strand, the complement: SLC25A13 is on the minus strand). VCF-style: chr7-96184332-G-A. GRCh37 (hg19) VCF-style: chr7-95813644-G-A.
Other names: c.1125C>T, p.Ser375= (NM_001160210.2).
Identifiers: ClinVar variation 4995061 (VCV004995061.1).

ClinVar aggregate classification (germline): Likely benign (1 of 4 stars; one submission).

Conditions:
SLC25A13-related disorder. Also called: SLC25A13-related condition.

Submission:

PreventionGenetics, part of Exact Sciences
Classification: Likely benign for SLC25A13-related condition. Last evaluated: 2025-09-30. Review status: criteria provided, single submitter. Criteria: ACMG Guidelines, 2015. Collection method: clinical testing. Allele origin: germline.
Comment: This variant is classified as likely benign based on ACMG/AMP sequence variant interpretation guidelines (Richards et al. 2015 PMID: 25741868, with internal and published modifications).